The following is an entry in ClinVar:

NM_006946.4(SPTBN2):c.5191-111T>G

Gene: SPTBN2 (spectrin beta, non-erythrocytic 2; minus strand). Cytogenetic location: 11q13.2.
Variant type: single nucleotide variant.
Coding change: c.5191-111T>G on transcript NM_006946.4 (MANE Select); 111 bases into the intron before coding-DNA position 5191, T replaced by G.
Molecular consequence: intron variant.
Genome position (GRCh38, 1-based): chr11:66,691,769, A>C on the plus strand (T>G on the coding strand, the complement: SPTBN2 is on the minus strand). VCF-style: chr11-66691769-A-C. GRCh37 (hg19) VCF-style: chr11-66459240-A-C.
Identifiers: ClinVar variation 1683824 (VCV001683824.2), dbSNP rs115016940, ClinGen allele CA224078889.
Genomic context (GRCh38, chr11:66,691,769, plus strand): 5'-GTCCCTGCCTGATGGAGCGAGTCCTCCACTCCAAACTCAGAACCCACCTCTCCCCGCTGC[A>C]TGGGGGCCGGGACAGGTTTCTTCCCTGTGGTTAAGGAGTAGGTGCAGCTGCTTCCCACTG-3'

ClinVar aggregate classification (germline): Likely benign (1 of 4 stars; one submission).

Allele frequency attached by ClinVar (database versions not stated): gnomAD 0.01113 and 0.01177; 1000 Genomes Project 0.01498; 1000 Genomes Project 30x 0.01577.
gnomAD v4.1: 3,277 of 1,508,036 alleles (0.22%); highest among the groups gnomAD compares: African/African-American, 3.8%; 75 homozygotes.

Submission:

GeneDx
Classification: Likely benign. Last evaluated: 2021-05-25. Review status: criteria provided, single submitter. Criteria: GeneDx Variant Classification Process June 2021. Collection method: clinical testing. Allele origin: germline. Affected: yes.
Comment: See Variant Classification Assertion Criteria.